The following is an entry in ClinVar:

ClinVar aggregate classification (germline): Uncertain significance. Review status: criteria provided, multiple submitters, no conflicts (2 of 4 stars). 4 submissions from 4 submitters: Uncertain significance (4). Last evaluated 2025-08-18.

Conditions:
Hereditary cancer-predisposing syndrome. Also called: Hereditary neoplastic syndrome; Neoplastic Syndromes, Hereditary; Hereditary Cancer Syndrome; Tumor predisposition. Identifiers: Orphanet 140162, MedGen C0027672, MeSH D009386, MONDO:0015356.
Familial adenomatous polyposis 2. Also called: MUTYH-related attenuated familial adenomatous polyposis; MYH-associated polyposis; FAP type 2; MUTYH-associated polyposis; MUTYH Polyposis; COLORECTAL ADENOMATOUS POLYPOSIS, AUTOSOMAL RECESSIVE. Identifiers: Orphanet 220460, Orphanet 247798, MedGen C3272841, MONDO:0012041, OMIM 608456.

Allele frequency attached by ClinVar (database versions not stated): gnomAD exomes below 0.00001.
gnomAD v4.1: 4 of 1,614,062 alleles (0.00025%); highest among the groups gnomAD compares: Non-Finnish European, 0.00034%; no homozygotes.

Submissions (4):

Ambry Genetics
Classification: Uncertain significance for Hereditary cancer-predisposing syndrome. Last evaluated: 2025-08-18. Review status: criteria provided, single submitter. Criteria: Ambry Variant Classification Scheme 2023. Collection method: clinical testing. Allele origin: germline.
Comment: The c.157+5G>A intronic variant results from a G to A substitution 5 nucleotides after coding exon 2 in the MUTYH gene. This nucleotide position is highly conserved in available vertebrate species. In silico splice site analysis predicts that this alteration will not have any significant effect on splicing; however, direct evidence is insufficient at this time (Ambry internal data). Since supporting evidence is limited at this time, the clinical significance of this alteration remains unclear.

GeneDx
Classification: Uncertain significance. Last evaluated: 2025-03-14. Review status: criteria provided, single submitter. Criteria: GeneDx Variant Classification Process June 2021. Collection method: clinical testing. Allele origin: germline.
Comment: Not observed at significant frequency in large population cohorts (gnomAD); In silico analysis indicates that this variant does not alter splicing; Has not been previously published as pathogenic or benign to our knowledge

Labcorp Genetics (formerly Invitae), Labcorp
Classification: Uncertain significance for Familial adenomatous polyposis 2. Last evaluated: 2025-02-12. Review status: criteria provided, single submitter. Criteria: Invitae Variant Classification Sherloc (09022015). Collection method: clinical testing. Allele origin: germline.
Comment: This sequence change falls in intron 2 of the MUTYH gene. It does not directly change the encoded amino acid sequence of the MUTYH protein. It affects a nucleotide within the consensus splice site. This variant is not present in population databases (gnomAD no frequency). This variant has not been reported in the literature in individuals affected with MUTYH-related conditions. ClinVar contains an entry for this variant (Variation ID: 952043). Variants that disrupt the consensus splice site are a relatively common cause of aberrant splicing (PMID: 17576681, 9536098). Algorithms developed to predict the effect of sequence changes on RNA splicing suggest that this variant may disrupt the consensus splice site. In summary, the available evidence is currently insufficient to determine the role of this variant in disease. Therefore, it has been classified as a Variant of Uncertain Significance.

All of Us Research Program, National Institutes of Health
Classification: Uncertain significance for Familial adenomatous polyposis 2. Last evaluated: 2024-01-03. Review status: criteria provided, single submitter. Criteria: ACMG Guidelines, 2015. Collection method: clinical testing. Allele origin: germline. Inheritance: Autosomal recessive inheritance. Observed: 1 variant allele, 1 heterozygote.
Comment: This variant causes a G to A nucleotide substitution at the +5 position of intron 2/15 of the MUTYH gene. To our knowledge, functional studies have not been reported for this variant. This variant has not been reported in individuals affected with MUTYH-related disorders in the literature. This variant has not been identified in the general population by the Genome Aggregation Database (gnomAD). The available evidence is insufficient to determine the role of this variant in disease conclusively. Therefore, this variant is classified as a Variant of Uncertain Significance.

This study involves interpretation of variants in research participants for the purpose of population health screening. Participant phenotype was not available at the time of variant classification. Additional details can be found in publication PMID: 35346344, PMCID: PMC8962531

Literature cited by the submitters: PubMed 17576681 (cited by Labcorp Genetics (formerly Invitae), Labcorp); PubMed 9536098 (cited by Labcorp Genetics (formerly Invitae), Labcorp).

NM_001048174.2(MUTYH):c.115+5G>A

Gene: MUTYH (mutY DNA glycosylase; minus strand). Cytogenetic location: 1p34.1.
Variant type: single nucleotide variant.
Coding change: c.115+5G>A on transcript NM_001048174.2 (MANE Select); 5 bases into the intron after coding-DNA position 115, G replaced by A.
Molecular consequence: intron variant.
Genome position (GRCh38, 1-based): chr1:45,334,386, C>T on the plus strand (G>A on the coding strand, the complement: MUTYH is on the minus strand). VCF-style: chr1-45334386-C-T. GRCh37 (hg19) VCF-style: chr1-45800058-C-T.
Other names: c.-93+5G>A (NM_001350651.2); c.-98+5G>A (NM_001293192.2, NM_001293196.2); c.-157+5G>A (NM_001350650.2); c.115+5G>A (NM_001048171.2, NM_001048173.2, NM_001048172.2 and 2 more transcripts); c.157+5G>A (NM_001293190.2, NM_012222.3, NM_001128425.2).
Identifiers: ClinVar variation 952043 (VCV000952043.13), dbSNP rs1570463324, ClinGen allele CA645514855.